The following is an entry in ClinVar:

NM_001367534.1(CAMK2G):c.707C>T (p.Pro236Leu)

Gene: CAMK2G (calcium/calmodulin dependent protein kinase II gamma; minus strand). Cytogenetic location: 10q22.2.
Variant type: single nucleotide variant.
Coding change: c.707C>T on transcript NM_001367534.1 (MANE Select); coding-DNA position 707, C replaced by T.
Protein change: p.Pro236Leu; replaces proline 236 with leucine.
Molecular consequence: missense variant. On other transcripts: 5 prime UTR variant (1), non-coding transcript variant (8).
Genome position (GRCh38, 1-based): chr10:73,847,337, G>A on the plus strand (C>T on the coding strand, the complement: CAMK2G is on the minus strand). VCF-style: chr10-73847337-G-A. GRCh37 (hg19) VCF-style: chr10-75607095-G-A.
Other names: c.707C>T, p.Pro236Leu (NM_001204492.2, NM_001222.4, NM_001320898.2 and 28 more transcripts); c.683C>T, p.Pro228Leu (NM_001367514.1, NM_001367525.1, NM_001367532.1); c.461C>T, p.Pro154Leu (NM_001367524.1, NM_001367539.1); c.395C>T, p.Pro132Leu (NM_001367537.1, NM_001367538.1); c.41C>T, p.Pro14Leu (NM_001367540.1); c.-47C>T (NM_001367542.1); short protein forms P132L, P14L, P154L, P228L, P236L.
Identifiers: ClinVar variation 2575529 (VCV002575529.2), dbSNP rs2548515763, ClinGen allele CA377248438.

ClinVar aggregate classification (germline): Uncertain significance (1 of 4 stars; one submission).

Submission:

GeneDx
Classification: Uncertain significance. Last evaluated: 2025-07-12. Review status: criteria provided, single submitter. Criteria: GeneDx Variant Classification Process June 2021. Collection method: clinical testing. Allele origin: germline. Affected: yes.
Comment: Not observed at significant frequency in large population cohorts (gnomAD); In silico analysis supports that this missense variant has a deleterious effect on protein structure/function; Has not been previously published as pathogenic or benign to our knowledge; Variants in candidate genes are classified as variants of uncertain significance in accordance with ACMG guidelines (PMID: 25741868)